The following is an entry in ClinVar:

ClinVar aggregate classification (germline): Uncertain significance (1 of 4 stars; one submission).

Allele frequency attached by ClinVar (database versions not stated): gnomAD exomes below 0.00001.
gnomAD v4.1: 2 of 1,614,140 alleles (0.00012%); highest among the groups gnomAD compares: African/African-American, 0.0013%; no homozygotes.

Submission:

Labcorp Genetics (formerly Invitae), Labcorp
Classification: Uncertain significance. Last evaluated: 2015-03-21. Review status: criteria provided, single submitter. Criteria: Invitae Variant Classification Sherloc (09022015). Collection method: clinical testing. Allele origin: germline.
Comment: This sequence change replaces threonine with isoleucine at codon 127 of the EPCAM protein (p.Thr127Ile). The threonine residue is highly conserved and there is a moderate physicochemical difference between threonine and isoleucine. In summary, this is a rare missense change with uncertain impact on protein function. It has been classified as a Variant of Uncertain Significance. Algorithms developed to predict the effect of missense changes on protein structure and function (SIFT, PolyPhen-2, Align-GVGD) all suggest that this variant is likely to be disruptive, but these predictions have not been confirmed by published functional studies. This variant is not present in population databases. It was observed in an individual with autosomal recessive congenital tufting enteropathy (PMID: 24142340), but a pathogenic variant was not found on the opposite allele. Therefore, the clinical significance of this report is uncertain.

Literature cited by the submitters: PubMed 24142340.

NM_002354.3(EPCAM):c.380C>T (p.Thr127Ile)

Gene: EPCAM (epithelial cell adhesion molecule; plus strand). Cytogenetic location: 2p21.
Variant type: single nucleotide variant.
Coding change: c.380C>T on transcript NM_002354.3 (MANE Select); coding-DNA position 380, C replaced by T.
Protein change: p.Thr127Ile; replaces threonine 127 with isoleucine.
Molecular consequence: missense variant.
Genome position (GRCh38, 1-based): chr2:47,374,003, C>T. VCF-style: chr2-47374003-C-T. GRCh37 (hg19) VCF-style: chr2-47601142-C-T.
Other names: short protein forms T127I.
Identifiers: ClinVar variation 216556 (VCV000216556.9), dbSNP rs863224711, ClinGen allele CA337379.
Genomic context (GRCh38, chr2:47,374,003, plus strand): 5'-CCAAGCAGTGCAACGGCACCTCCATGTGCTGGTGTGTGAACACTGCTGGGGTCAGAAGAA[C>T]AGACAAGGACACTGAAATAACCTGCTCTGAGCGAGTGAGAACCTAGTGAGTGGGGCTGCC-3'
Protein context (NP_002345.2, residues 117-137): WCVNTAGVRR[Thr127Ile]DKDTEITCSE